The following is an entry in ClinVar:

ClinVar aggregate classification (germline): Uncertain significance (1 of 4 stars; one submission).

Conditions:
Ehlers-Danlos syndrome, classic type, 1 (EDSCL1). Also called: EDS I; Ehlers-Danlos syndrome, type 1; EHLERS-DANLOS SYNDROME, GRAVIS TYPE; EHLERS-DANLOS SYNDROME, SEVERE CLASSIC TYPE; Ehlers-Danlos Syndrome, Classic Type, COL5A1-Related. Identifiers: MedGen C0268335, MONDO:0019567, OMIM 130000.

Submission:

Labcorp Genetics (formerly Invitae), Labcorp
Classification: Uncertain significance for Ehlers-Danlos syndrome, classic type, 1. Last evaluated: 2022-09-26. Review status: criteria provided, single submitter. Criteria: Invitae Variant Classification Sherloc (09022015). Collection method: clinical testing. Allele origin: germline.
Comment: In summary, the available evidence is currently insufficient to determine the role of this variant in disease. Therefore, it has been classified as a Variant of Uncertain Significance. This sequence change replaces histidine, which is basic and polar, with glutamine, which is neutral and polar, at codon 178 of the COL5A2 protein (p.His178Gln). This variant is not present in population databases (gnomAD no frequency). This variant has not been reported in the literature in individuals affected with COL5A2-related conditions. Advanced modeling of protein sequence and biophysical properties (such as structural, functional, and spatial information, amino acid conservation, physicochemical variation, residue mobility, and thermodynamic stability) performed at Invitae indicates that this missense variant is not expected to disrupt COL5A2 protein function.

NM_000393.5(COL5A2):c.534T>A (p.His178Gln)

Gene: COL5A2 (collagen type V alpha 2 chain; minus strand). Cytogenetic location: 2q32.2.
Variant type: single nucleotide variant.
Coding change: c.534T>A on transcript NM_000393.5 (MANE Select); coding-DNA position 534, T replaced by A.
Protein change: p.His178Gln; replaces histidine 178 with glutamine.
Molecular consequence: missense variant.
Genome position (GRCh38, 1-based): chr2:189,092,343, A>T on the plus strand (T>A on the coding strand, the complement: COL5A2 is on the minus strand). VCF-style: chr2-189092343-A-T. GRCh37 (hg19) VCF-style: chr2-189957069-A-T.
Other names: short protein forms H178Q.
Identifiers: ClinVar variation 1718659 (VCV001718659.6), dbSNP rs1353353174, ClinGen allele CA349861361.